The following is an entry in ClinVar:

ClinVar aggregate classification (germline): Pathogenic. Review status: criteria provided, multiple submitters, no conflicts (2 of 4 stars). 8 submissions from 8 submitters: Pathogenic (6). 2 of the submissions do not count toward it. Last evaluated 2026-01-12.

Conditions:
COL7A1-related disorder. Also called: COL7A1-related condition; COL7A1- related disorders.
Epidermolysis bullosa pruriginosa. Also called: DEB, PRURIGINOSA; DYSTROPHIC EPIDERMOLYSIS BULLOSA PRURIGINOSA. Identifiers: Orphanet 89843, MedGen C1275114, MONDO:0011398, OMIM 604129.
Nonsyndromic congenital nail disorder 8. Also called: TOENAIL DYSTROPHY, ISOLATED. Identifiers: MedGen C1843761, MONDO:0011852, OMIM 607523.
Transient bullous dermolysis of the newborn (TBDN). Also called: DYSTROPHIC EPIDERMOLYSIS BULLOSA, NEONATAL; EPIDERMOLYSIS BULLOSA DYSTROPHICA, NEONATAL FORM. Identifiers: Orphanet 79411, MedGen C1851573, MONDO:0007548, OMIM 131705.
Pretibial dystrophic epidermolysis bullosa. Also called: EPIDERMOLYSIS BULLOSA DYSTROPHICA, PRETIBIAL; Pretibial epidermolysis bullosa; Pretibial blistering. Identifiers: Orphanet 79410, MedGen C0432321, MONDO:0007552, OMIM 131850, HP:0012221.
Dominant dystrophic epidermolysis bullosa with absence of skin. Also called: EPIDERMOLYSIS BULLOSA WITH CONGENITAL LOCALIZED ABSENCE OF SKIN AND DEFORMITY OF NAILS; EPIDERMOLYSIS BULLOSA DYSTROPHICA, BART TYPE. Identifiers: MedGen C0268371, MONDO:0007557, OMIM 132000.
Recessive dystrophic epidermolysis bullosa (RDEB). Also called: EPIDERMOLYSIS BULLOSA DYSTROPHICA, HALLOPEAU-SIEMENS TYPE; Epidermolysis Bullosa Distrophica Autosomal Recessive (RDEB); Recessive DEB (RDEB); Hallopeau-Siemens Disease; severe generalized recessive dystrophic epidermolysis bullosa; DYSTROPHIC EPIDERMOLYSIS BULLOSA, AUTOSOMAL RECESSIVE. Identifiers: Orphanet 79408, Orphanet 79409, MedGen C0079474, MONDO:0009179, OMIM 226600.
Generalized dominant dystrophic epidermolysis bullosa (DDEB). Also called: DYSTROPHIC EPIDERMOLYSIS BULLOSA, AUTOSOMAL DOMINANT; Epidermolysis bullosa dystrophica, autosomal dominant; Dominant DEB (DDEB); DDEB, generalized; DDEB-gen. Identifiers: Orphanet 231568, MedGen C0432322, MONDO:0007549, OMIM 131750.
Epidermolysis bullosa dystrophica. Also called: Dystrophic epidermolysis bullosa; Dystrophic epidermolysis bullosa, Hallopeau-Siemens type (formerly). Identifiers: Orphanet 303, MedGen C0079294, MONDO:0006543.

Submissions (8):

Labcorp Genetics (formerly Invitae), Labcorp
Classification: Pathogenic. Last evaluated: 2026-01-12. Review status: criteria provided, single submitter. Criteria: Invitae Variant Classification Sherloc (09022015). Collection method: clinical testing. Allele origin: germline.
Comment: This sequence change creates a premature translational stop signal (p.Asn825Lysfs*41) in the COL7A1 gene. It is expected to result in an absent or disrupted protein product. Loss-of-function variants in COL7A1 are known to be pathogenic (PMID: 16971478). This variant is present in population databases (rs746056280, gnomAD 0.009%). This premature translational stop signal has been observed in individuals with autosomal recessive epidermolysis bullosa (PMID: 9666834, 24210835, 29473190). ClinVar contains an entry for this variant (Variation ID: 17425). For these reasons, this variant has been classified as Pathogenic.

Natera, Inc.
Classification: Pathogenic for Dystrophic epidermolysis bullosa. Last evaluated: 2025-06-17. Review status: criteria provided, single submitter. Criteria: Natera Variant Classification Schema (03/2026). Collection method: clinical testing. Allele origin: germline.
Comment: The c.2471dupG variant in COL7A1 is a frameshift variant predicted to shift the reading frame beginning at codon 825 and leads to a stop codon 41 codons downstream. This variant is expected to result in nonsense mediated decay, truncation, or a dysfunctional protein product. This variant is rare in the general population with a frequency below the threshold expected for the associated phenotype(s). This variant has been observed in one or more individuals affected with the associated recessive disease, as either homozygous or compound heterozygous with a second variant (PMID: 10504458). Given the available evidence, this variant is classified as Pathogenic.

PreventionGenetics, part of Exact Sciences
Classification: Pathogenic for COL7A1-related condition. Last evaluated: 2025-04-15. Review status: criteria provided, single submitter. Criteria: ACMG Guidelines, 2015. Collection method: clinical testing. Allele origin: germline.
Comment: The COL7A1 c.2471dupG variant is predicted to result in a frameshift and premature protein termination (p.Asn825Lysfs*41). This variant in the homozygous state or along with a second pathogenic variant in COL7A1 has been reported as causative for autosomal recessive epidermolysis bullosa (reported as c.2470insG in Salas-Alanis et al. 1998. PubMed ID: 9666834 and Warshauer et al. 2021. PubMed ID: 34435747; Saeidian et al. 2018. PubMed ID: 29473190). This variant is reported in 0.0087% of alleles in individuals of Latino descent in gnomAD. Frameshift variants in COL7A1 are expected to be pathogenic. This variant is interpreted as pathogenic.

Myriad Genetics, Inc.
Classification: Pathogenic for Recessive dystrophic epidermolysis bullosa. Last evaluated: 2024-06-29. Review status: criteria provided, single submitter. Criteria: Myriad Autosomal Dominant, Autosomal Recessive and X-Linked Classification Criteria (2023). Collection method: clinical testing. Allele origin: unknown.
Comment: NM_000094.3(COL7A1):c.2471dupG(N825Kfs*41) is expected to be pathogenic in the context of dystrophic epidermolysis bullosa. This variant is predicted to lead to an abnormal or absent protein product due to the creation of a premature termination codon in COL7A1, a gene where loss-of-function variants are known to be pathogenic. Please note: this variant was assessed in the context of healthy population screening.

Fulgent Genetics
Classification: Pathogenic for Transient bullous dermolysis of the newborn; Generalized dominant dystrophic epidermolysis bullosa; Pretibial dystrophic epidermolysis bullosa; Dominant dystrophic epidermolysis bullosa with absence of skin; Recessive dystrophic epidermolysis bullosa; Epidermolysis bullosa pruriginosa; Nonsyndromic congenital nail disorder 8. Last evaluated: 2024-06-03. Review status: criteria provided, single submitter. Criteria: ACMG Guidelines, 2015. Collection method: clinical testing. Allele origin: germline.

GeneDx
Classification: Pathogenic. Last evaluated: 2022-03-24. Review status: criteria provided, single submitter. Criteria: GeneDx Variant Classification Process June 2021. Collection method: clinical testing. Allele origin: germline. Affected: yes.
Comment: Reported to be the most frequent COL7A1 pathogenic variant in Hispanic Mexican populations (Salas-Alanis et al., 2000; Moreno-Trevino et al., 2014); Frameshift variant predicted to result in nonsense mediated decay in a gene for which loss-of-function is a known mechanism of disease; This variant is associated with the following publications: (PMID: 24210835, 16548289, 9666834, 29473190, 8088783, 10944088, 25308504)

OMIM
Classification: Pathogenic for EPIDERMOLYSIS BULLOSA DYSTROPHICA, AUTOSOMAL RECESSIVE. Last evaluated: 1994-05-01. Review status: no assertion criteria provided. Collection method: literature only. Allele origin: germline. Not counted in ClinVar's aggregate classification.

GeneReviews
No classification provided. Condition: Generalized dominant dystrophic epidermolysis bullosa. Review status: no classification provided. Collection method: literature only. Allele origin: germline. Not counted in ClinVar's aggregate classification.

Literature cited by the submitters: PubMed 16971478 (cited by Labcorp Genetics (formerly Invitae), Labcorp); PubMed 9666834 (cited by Labcorp Genetics (formerly Invitae), Labcorp); PubMed 24210835 (cited by Labcorp Genetics (formerly Invitae), Labcorp); PubMed 29473190 (cited by Labcorp Genetics (formerly Invitae), Labcorp); PubMed 10504458 (cited by Natera, Inc.); PubMed 8088783 (cited by OMIM).

NM_000094.4(COL7A1):c.2471dup (p.Asn825fs)

Gene: COL7A1 (collagen type VII alpha 1 chain; minus strand). Cytogenetic location: 3p21.31.
Variant type: Duplication.
Coding change: c.2471dup on transcript NM_000094.4 (MANE Select); coding-DNA position 2471, one base duplicated (G; older notation c.2471dupG).
Protein change: p.Asn825fs; shifts the reading frame from asparagine 825.
Molecular consequence: frameshift variant.
Genome position (GRCh38, 1-based): chr3:48,588,758, C duplicated on the plus strand (G on the coding strand, the reverse complement: COL7A1 is on the minus strand); the first of 2 consecutive C bases (chr3:48,588,758-48,588,759); duplicating either gives the same sequence. VCF-style (leftmost placement, unchanged base first): chr3-48588757-T-TC. GRCh37 (hg19) VCF-style: chr3-48626190-T-TC.
Other names: c.2471dupG (NM_000094.3); c.2470dupG (NM_000094.3); c.2471dup (NM_000094.3); short protein forms N825fs.
Identifiers: ClinVar variation 17425 (VCV000017425.20), dbSNP rs746056280, ClinGen allele CA2380872.